The following is an entry in ClinVar:

NM_001042492.3(NF1):c.5196_5199del (p.Leu1733fs)

Gene: NF1 (neurofibromin 1; plus strand). Cytogenetic location: 17q11.2.
Variant type: Deletion.
Coding change: c.5196_5199del on transcript NM_001042492.3 (MANE Select); coding-DNA positions 5196 to 5199, 4 bases deleted (TTTA; older notation c.5196_5199delTTTA).
Protein change: p.Leu1733fs; shifts the reading frame from leucine 1733.
Molecular consequence: frameshift variant.
Genome position (GRCh38, 1-based): chr17:31,326,180-31,326,183, TTTA deleted. VCF-style (leftmost placement, unchanged base first): chr17-31326179-CTTTA-C. GRCh37 (hg19) VCF-style: chr17-29653197-CTTTA-C.
Other names: c.5133_5136delTTTA, p.Leu1712Lysfs (NM_000267.4); short protein forms L1733fs, L1712fs.
Identifiers: ClinVar variation 2011462 (VCV002011462.4), dbSNP rs2508698085, ClinGen allele CA2580093049.

ClinVar aggregate classification (germline): Pathogenic (1 of 4 stars; one submission).

Conditions:
Neurofibromatosis, type 1 (NF1). Also called: Neurofibromatosis, type I; Peripheral type neurofibromatosis; VON RECKLINGHAUSEN DISEASE; NEUROFIBROMATOSIS, TYPE I, SOMATIC. Identifiers: Orphanet 636, MedGen C0027831, MONDO:0018975, OMIM 162200. Disease mechanism: loss of function.

Submission:

Labcorp Genetics (formerly Invitae), Labcorp
Classification: Pathogenic for Neurofibromatosis, type 1. Last evaluated: 2022-06-27. Review status: criteria provided, single submitter. Criteria: Invitae Variant Classification Sherloc (09022015). Collection method: clinical testing. Allele origin: germline.
Comment: This variant is not present in population databases (gnomAD no frequency). This variant has not been reported in the literature in individuals affected with NF1-related conditions. For these reasons, this variant has been classified as Pathogenic. This sequence change creates a premature translational stop signal (p.Leu1712Lysfs*4) in the NF1 gene. It is expected to result in an absent or disrupted protein product. Loss-of-function variants in NF1 are known to be pathogenic (PMID: 10712197, 23913538).

Literature cited by the submitters: PubMed 10712197; PubMed 23913538.